The following is an entry in ClinVar:

NM_152703.5(SAMD9L):c.2876G>A (p.Ser959Asn)

Gene: SAMD9L (sterile alpha motif domain containing 9 like; minus strand). Cytogenetic location: 7q21.2.
Variant type: single nucleotide variant.
Coding change: c.2876G>A on transcript NM_152703.5 (MANE Select); coding-DNA position 2876, G replaced by A.
Protein change: p.Ser959Asn; replaces serine 959 with asparagine.
Molecular consequence: missense variant.
Genome position (GRCh38, 1-based): chr7:93,133,096, C>T on the plus strand (G>A on the coding strand, the complement: SAMD9L is on the minus strand). VCF-style: chr7-93133096-C-T. GRCh37 (hg19) VCF-style: chr7-92762409-C-T.
Other names: c.2876G>A, p.Ser959Asn (NM_001303496.3, NM_001303497.3, NM_001303498.3 and 5 more transcripts); c.2876G>A (NM_152703.2); short protein forms S959N.
Identifiers: ClinVar variation 1708750 (VCV001708750.3), dbSNP rs1792215473, ClinGen allele CA368186203.

ClinVar aggregate classification (germline): Uncertain significance. Review status: criteria provided, multiple submitters, no conflicts (2 of 4 stars). 2 submissions from 2 submitters: Uncertain significance (2). Last evaluated 2025-02-09.

Conditions:
Inborn genetic diseases. Identifiers: MedGen C0950123, MeSH D030342.

Allele frequency attached by ClinVar (database versions not stated): gnomAD exomes below 0.00001; TOPMed below 0.00001.
gnomAD v4.1: 1 of 1,612,840 alleles (0.000062%); highest among the groups gnomAD compares: African/African-American, 0.0013%; no homozygotes.

Submissions (2):

Ambry Genetics
Classification: Uncertain significance for Inborn genetic diseases. Last evaluated: 2025-02-09. Review status: criteria provided, single submitter. Criteria: Ambry Variant Classification Scheme 2023. Collection method: clinical testing. Allele origin: germline.
Comment: The p.S959N variant (also known as c.2876G>A), located in coding exon 1 of the SAMD9L gene, results from a G to A substitution at nucleotide position 2876. The serine at codon 959 is replaced by asparagine, an amino acid with highly similar properties. This amino acid position is conserved. In addition, this alteration is predicted to be tolerated by in silico analysis. Based on the available evidence, the clinical significance of this variant remains unclear.

GeneDx
Classification: Uncertain significance. Last evaluated: 2022-04-08. Review status: criteria provided, single submitter. Criteria: GeneDx Variant Classification Process June 2021. Collection method: clinical testing. Allele origin: germline. Affected: yes.
Comment: Not observed at significant frequency in large population cohorts (gnomAD); In silico analysis supports that this missense variant does not alter protein structure/function; Has not been previously published as pathogenic or benign to our knowledge; This variant is associated with the following publications: (PMID: 28545555)